The following is an entry in ClinVar:

ClinVar aggregate classification (germline): Uncertain significance (1 of 4 stars; one submission).

Conditions:
Long QT syndrome (LQTS). Identifiers: MedGen C0023976, MeSH D008133, MONDO:0002442. Disease mechanism: loss of function. Inheritance: Various modes of inheritance.

Submission:

Labcorp Genetics (formerly Invitae), Labcorp
Classification: Uncertain significance for Long QT syndrome. Last evaluated: 2018-11-16. Review status: criteria provided, single submitter. Criteria: Invitae Variant Classification Sherloc (09022015). Collection method: clinical testing. Allele origin: germline.
Comment: This sequence change replaces methionine with valine at codon 759 of the AKAP9 protein (p.Met759Val). The methionine residue is weakly conserved and there is a small physicochemical difference between methionine and valine. This variant is not present in population databases (ExAC no frequency). In summary, the available evidence is currently insufficient to determine the role of this variant in disease. Therefore, it has been classified as a Variant of Uncertain Significance. Algorithms developed to predict the effect of sequence changes on RNA splicing suggest that this variant may create or strengthen a splice site, but this prediction has not been confirmed by published transcriptional studies. Algorithms developed to predict the effect of missense changes on protein structure and function (SIFT, PolyPhen-2, Align-GVGD) all suggest that this variant is likely to be tolerated, but these predictions have not been confirmed by published functional studies and their clinical significance is uncertain. This variant has not been reported in the literature in individuals with AKAP9-related disease.

NM_005751.5(AKAP9):c.2275A>G (p.Met759Val)

Gene: AKAP9 (A-kinase anchoring protein 9; plus strand). Cytogenetic location: 7q21.2.
Variant type: single nucleotide variant.
Coding change: c.2275A>G on transcript NM_005751.5 (MANE Select); coding-DNA position 2275, A replaced by G.
Protein change: p.Met759Val; replaces methionine 759 with valine.
Molecular consequence: missense variant.
Genome position (GRCh38, 1-based): chr7:92,002,192, A>G. VCF-style: chr7-92002192-A-G. GRCh37 (hg19) VCF-style: chr7-91631506-A-G.
Other names: c.2275A>G, p.Met759Val (NM_147185.3); short protein forms M759V.
Identifiers: ClinVar variation 640375 (VCV000640375.8), dbSNP rs1584041613, ClinGen allele CA368123736.